The following is an entry in ClinVar:

ClinVar aggregate classification (germline): Conflicting classifications of pathogenicity. Review status: criteria provided, conflicting classifications (1 of 4 stars). 3 submissions from 3 submitters: Uncertain significance (1); Likely benign (1). 1 of the submissions does not count toward it. Last evaluated 2025-12-13.

Conditions:
Epidermolysis bullosa dystrophica. Also called: Dystrophic epidermolysis bullosa, Hallopeau-Siemens type (formerly); Dystrophic epidermolysis bullosa. Identifiers: Orphanet 303, MedGen C0079294, MONDO:0006543.
COL7A1-related disorder. Also called: COL7A1-related condition; COL7A1- related disorders.

Allele frequency attached by ClinVar (database versions not stated): gnomAD 0.00003; gnomAD exomes 0.00003 and 0.00004; ExAC 0.00004; TOPMed 0.00005.

Submissions (3):

Labcorp Genetics (formerly Invitae), Labcorp
Classification: Likely benign. Last evaluated: 2025-12-13. Review status: criteria provided, single submitter. Criteria: Invitae Variant Classification Sherloc (09022015). Collection method: clinical testing. Allele origin: germline.

Illumina Laboratory Services, Illumina
Classification: Uncertain significance for Dystrophic epidermolysis bullosa. Last evaluated: 2018-01-12. Review status: criteria provided, single submitter. Criteria: ICSL Variant Classification Criteria 13 December 2019. Collection method: clinical testing. Allele origin: germline.

PreventionGenetics, part of Exact Sciences
Classification: Likely benign for COL7A1-related condition. Last evaluated: 2023-11-22. Review status: no assertion criteria provided. Collection method: clinical testing. Allele origin: germline. Not counted in ClinVar's aggregate classification.
Comment: This variant is classified as likely benign based on ACMG/AMP sequence variant interpretation guidelines (Richards et al. 2015 PMID: 25741868, with internal and published modifications).

NM_000094.4(COL7A1):c.3999T>C (p.Pro1333=)

Gene: COL7A1 (collagen type VII alpha 1 chain; minus strand). Cytogenetic location: 3p21.31.
Variant type: single nucleotide variant.
Coding change: c.3999T>C on transcript NM_000094.4 (MANE Select); coding-DNA position 3999, T replaced by C.
Protein change: p.Pro1333=; no amino-acid change (proline 1333 retained).
Molecular consequence: synonymous variant.
Genome position (GRCh38, 1-based): chr3:48,584,922, A>G on the plus strand (T>C on the coding strand, the complement: COL7A1 is on the minus strand). VCF-style: chr3-48584922-A-G. GRCh37 (hg19) VCF-style: chr3-48622355-A-G.
Identifiers: ClinVar variation 345852 (VCV000345852.14), dbSNP rs756134134, ClinGen allele CA2380294.